The following is an entry in ClinVar:

ClinVar aggregate classification (germline): Uncertain significance (1 of 4 stars; one submission).

Conditions:
Cataract 5 multiple types (CTRCT5). Also called: CATARACT 5, LAMELLAR; CATARACT, MARNER TYPE; Lamellar cataract. Identifiers: Orphanet 91492, MedGen C0266537, MONDO:0007290, OMIM 116800, HP:0007971.

Submission:

Labcorp Genetics (formerly Invitae), Labcorp
Classification: Uncertain significance for Cataract 5 multiple types. Last evaluated: 2022-05-27. Review status: criteria provided, single submitter. Criteria: Invitae Variant Classification Sherloc (09022015). Collection method: clinical testing. Allele origin: germline.
Comment: Algorithms developed to predict the effect of missense changes on protein structure and function are either unavailable or do not agree on the potential impact of this missense change (SIFT: "Tolerated"; PolyPhen-2: "Probably Damaging"; Align-GVGD: "Class C15"). This variant disrupts the p.Arg118 amino acid residue in HSF4. Other variant(s) that disrupt this residue have been determined to be pathogenic (Invitae). This suggests that this residue is clinically significant, and that variants that disrupt this residue are likely to be disease-causing. In summary, the available evidence is currently insufficient to determine the role of this variant in disease. Therefore, it has been classified as a Variant of Uncertain Significance. This variant is not present in population databases (gnomAD no frequency). This sequence change replaces arginine, which is basic and polar, with proline, which is neutral and non-polar, at codon 118 of the HSF4 protein (p.Arg118Pro). This variant has not been reported in the literature in individuals affected with HSF4-related conditions.

NM_001374675.1(HSF4):c.353G>C (p.Arg118Pro)

Gene: HSF4 (heat shock transcription factor 4; plus strand). Cytogenetic location: 16q22.1.
Variant type: single nucleotide variant.
Coding change: c.353G>C on transcript NM_001374675.1 (MANE Select); coding-DNA position 353, G replaced by C.
Protein change: p.Arg118Pro; replaces arginine 118 with proline.
Molecular consequence: missense variant.
Genome position (GRCh38, 1-based): chr16:67,165,839, G>C. VCF-style: chr16-67165839-G-C. GRCh37 (hg19) VCF-style: chr16-67199742-G-C.
Other names: c.353G>C, p.Arg118Pro (NM_001040667.3, NM_001374674.1, NM_001538.4); short protein forms R118P.
Identifiers: ClinVar variation 1999411 (VCV001999411.4), dbSNP rs1336923341, ClinGen allele CA396264581.
Genomic context (GRCh38, chr16:67,165,839, plus strand): 5'-ACGTCGAGTTCCAGCACCCGAGCTTCGTGCGCGGCCGCGAGCAGCTACTGGAGCGCGTGC[G>C]GCGCAAGGTGGGGGCGGCCTGCGGGAATGAGCAAAGAGGAGGAGGGGTGCTGGGACTGCC-3'
Protein context (NP_001361604.1, residues 108-128): RGREQLLERV[Arg118Pro]RKVPALRGDD